The following is an entry in ClinVar:

NM_016816.4(OAS1):c.1082G>C (p.Arg361Thr)

Gene: OAS1 (2'-5'-oligoadenylate synthetase 1; plus strand). Cytogenetic location: 12q24.13.
Variant type: single nucleotide variant.
Coding change: c.1082G>C on transcript NM_016816.4 (MANE Select); coding-DNA position 1082, G replaced by C.
Protein change: p.Arg361Thr; replaces arginine 361 with threonine.
Molecular consequence: missense variant. On other transcripts: intron variant (2).
Genome position (GRCh38, 1-based): chr12:112,919,432, G>C. VCF-style: chr12-112919432-G-C. GRCh37 (hg19) VCF-style: chr12-113357237-G-C.
Other names: p.Arg361Thr; c.1038+1732G>C (NM_001320151.2); c.1039-55G>C (NM_001032409.3); short protein forms R361T.
Identifiers: ClinVar variation 1168534 (VCV001168534.18), dbSNP rs1051042, ClinGen allele CA6800008.
Genomic context (GRCh38, chr12:112,919,432, plus strand): 5'-GTGTCTCACCCTTTCAGGCTGAAAGCAACAGTGCAGACGATGAGACCGACGATCCCAGGA[G>C]GTATCAGAAATATGGTTACATTGGAACACATGAGTACCCTCATTTCTCTCATAGACCCAG-3'
Protein context (NP_058132.2, residues 351-371): SADDETDDPR[Arg361Thr]YQKYGYIGTH

ClinVar aggregate classification (germline): Benign. Review status: criteria provided, multiple submitters, no conflicts (2 of 4 stars). 7 submissions from 7 submitters: Benign (6). 1 of the submissions does not count toward it. Last evaluated 2026-02-04.

Conditions:
OAS1-related disorder. Also called: OAS1-related condition.

Allele frequency attached by ClinVar (database versions not stated): 1000 Genomes Project 0.78714; ESP Exome Variant Server 0.73974; 1000 Genomes Project 30x 0.79185; TOPMed 0.76268.
gnomAD v4.1: 1,088,954 of 1,609,908 alleles (68%); highest among the groups gnomAD compares: African/African-American, 93%; 373,960 homozygotes.

Submissions (7):

Labcorp Genetics (formerly Invitae), Labcorp
Classification: Benign. Last evaluated: 2026-02-04. Review status: criteria provided, single submitter. Criteria: Invitae Variant Classification Sherloc (09022015). Collection method: clinical testing. Allele origin: germline.

Women's Health and Genetics/Laboratory Corporation of America, LabCorp
Classification: Benign. Last evaluated: 2026-01-21. Review status: criteria provided, single submitter. Criteria: LabCorp Variant Classification Summary - May 2015. Collection method: clinical testing. Allele origin: germline.

Unidad de Genómica Garrahan, Hospital de Pediatría Garrahan
Classification: Benign. Last evaluated: 2024-01-24. Review status: criteria provided, single submitter. Criteria: ACMG Guidelines, 2015. Collection method: clinical testing. Allele origin: germline. Affected: no. Observed: 89 variant alleles.
Comment: This variant is classified as Benign based on local population frequency. This variant was detected in 94% of patients studied by a panel of primary immunodeficiencies. Number of patients: 89. Only high quality variants are reported.

Mayo Clinic Laboratories, Mayo Clinic
Classification: Benign. Last evaluated: 2022-09-06. Review status: criteria provided, single submitter. Criteria: ACMG Guidelines, 2015. Collection method: clinical testing. Allele origin: germline. Observed: 404 variant alleles.

GeneDx
Classification: Benign. Last evaluated: 2021-05-04. Review status: criteria provided, single submitter. Criteria: GeneDx Variant Classification Process June 2021. Collection method: clinical testing. Allele origin: germline. Affected: yes.

Breakthrough Genomics
Classification: Benign. Review status: criteria provided, single submitter. Criteria: ACMG Guidelines, 2015. Collection method: not provided. Allele origin: germline. Inheritance: Autosomal dominant inheritance. Affected: yes.

PreventionGenetics, part of Exact Sciences
Classification: Benign for OAS1-related condition. Last evaluated: 2019-05-17. Review status: no assertion criteria provided. Collection method: clinical testing. Allele origin: germline. Not counted in ClinVar's aggregate classification.
Comment: This variant is classified as benign based on ACMG/AMP sequence variant interpretation guidelines (Richards et al. 2015 PMID: 25741868, with internal and published modifications).